The following is an entry in ClinVar:

ClinVar aggregate classification (germline): Uncertain significance (1 of 4 stars; one submission).

Conditions:
Cardiovascular phenotype. Identifiers: MedGen CN230736.

Allele frequency attached by ClinVar (database versions not stated): TOPMed below 0.00001.

Submission:

Ambry Genetics
Classification: Uncertain significance for Cardiovascular phenotype. Last evaluated: 2024-09-11. Review status: criteria provided, single submitter. Criteria: Ambry Variant Classification Scheme 2023. Collection method: clinical testing. Allele origin: germline.
Comment: The p.Y1393H variant (also known as c.4177T>C), located in coding exon 30 of the LAMA4 gene, results from a T to C substitution at nucleotide position 4177. The tyrosine at codon 1393 is replaced by histidine, an amino acid with similar properties. This amino acid position is well conserved in available vertebrate species. In addition, this alteration is predicted to be tolerated by in silico analysis. Since supporting evidence is limited at this time, the clinical significance of this alteration remains unclear.

NM_001105206.3(LAMA4):c.4198T>C (p.Tyr1400His)

Gene: LAMA4 (laminin subunit alpha 4; minus strand). Cytogenetic location: 6q21.
Variant type: single nucleotide variant.
Coding change: c.4198T>C on transcript NM_001105206.3 (MANE Select); coding-DNA position 4198, T replaced by C.
Protein change: p.Tyr1400His; replaces tyrosine 1400 with histidine.
Molecular consequence: missense variant.
Genome position (GRCh38, 1-based): chr6:112,129,011, A>G on the plus strand (T>C on the coding strand, the complement: LAMA4 is on the minus strand). VCF-style: chr6-112129011-A-G. GRCh37 (hg19) VCF-style: chr6-112450213-A-G.
Other names: c.4177T>C, p.Tyr1393His (NM_001105207.3, NM_002290.5); short protein forms Y1393H, Y1400H.
Identifiers: ClinVar variation 1738460 (VCV001738460.3), dbSNP rs781815955, ClinGen allele CA365372278.